The following is an entry in ClinVar:

ClinVar aggregate classification (germline): Uncertain significance (1 of 4 stars; one submission).

Conditions:
Cardiomyopathy (CMYO). Also called: Cardiomyopathies. Identifiers: Orphanet 167848, MedGen C0878544, MONDO:0004994, HP:0001638. Inheritance: Various modes of inheritance.

Submission:

Color Diagnostics, LLC DBA Color Health
Classification: Uncertain significance for Cardiomyopathy. Last evaluated: 2023-12-05. Review status: criteria provided, single submitter. Criteria: ACMG Guidelines, 2015. Collection method: clinical testing. Allele origin: germline.
Comment: Variant of Uncertain Significance due to insufficient evidence: This missense variant is located in the cytoplasmic domain of the DSG2 protein. Computational prediction tools and conservation analyses are inconclusive regarding the impact of this variant on the protein function. Computational splicing tools suggest that this variant may not impact RNA splicing. To our knowledge, functional assays have not been performed for this variant nor has this variant been reported in individuals affected with cardiovascular disorders in the literature. This variant is rare in the general population and has been identified in 0/277264 chromosomes by the Genome Aggregation Database (gnomAD). Available evidence is insufficient to determine the role of this variant in disease conclusively.

NM_001943.5(DSG2):c.2467G>C (p.Asp823His)

Genes: DSG2 (desmoglein 2; plus strand), DSG2-AS1 (DSG2 antisense RNA 1; minus strand). Cytogenetic location: 18q12.1.
Variant type: single nucleotide variant.
Coding change: c.2467G>C on transcript NM_001943.5 (MANE Select); coding-DNA position 2467, G replaced by C.
Protein change: p.Asp823His; replaces aspartic acid 823 with histidine.
Molecular consequence: missense variant. On other transcripts: non-coding transcript variant (1).
Genome position (GRCh38, 1-based): chr18:31,545,853, G>C. VCF-style: chr18-31545853-G-C. GRCh37 (hg19) VCF-style: chr18-29125816-G-C.
Other names: short protein forms D823H.
Identifiers: ClinVar variation 919012 (VCV000919012.5), dbSNP rs2073302041, ClinGen allele CA402144657.